The following is an entry in ClinVar:

ClinVar aggregate classification (germline): Uncertain significance. Review status: criteria provided, multiple submitters, no conflicts (2 of 4 stars). 2 submissions from 2 submitters: Uncertain significance (2). Last evaluated 2024-12-02.

Conditions:
Symmetrical dyschromatosis of extremities (DSH). Also called: DYSCHROMATOSIS SYMMETRICA HEREDITARIA 1; RETICULATE ACROPIGMENTATION OF DOHI; SYMMETRIC DYSCHROMATOSIS OF THE EXTREMITIES; Dyschromatosis symmetrica hereditaria. Identifiers: Orphanet 41, MedGen C0406775, MONDO:0007483, OMIM 127400.
Aicardi-Goutieres syndrome 6 (AGS6). Identifiers: Orphanet 51, MedGen C3539013, MONDO:0014007, OMIM 615010.

Submissions (2):

GeneDx
Classification: Uncertain significance. Last evaluated: 2024-12-02. Review status: criteria provided, single submitter. Criteria: GeneDx Variant Classification Process June 2021. Collection method: clinical testing. Allele origin: germline. Affected: yes.
Comment: Not observed at significant frequency in large population cohorts (gnomAD); In silico analysis indicates that this missense variant does not alter protein structure/function; Has not been previously published as pathogenic or benign to our knowledge

Labcorp Genetics (formerly Invitae), Labcorp
Classification: Uncertain significance for Aicardi-Goutieres syndrome 6; Symmetrical dyschromatosis of extremities. Last evaluated: 2023-06-18. Review status: criteria provided, single submitter. Criteria: Invitae Variant Classification Sherloc (09022015). Collection method: clinical testing. Allele origin: germline.
Comment: This sequence change replaces histidine, which is basic and polar, with arginine, which is basic and polar, at codon 738 of the ADAR protein (p.His738Arg). This variant is not present in population databases (gnomAD no frequency). In summary, the available evidence is currently insufficient to determine the role of this variant in disease. Therefore, it has been classified as a Variant of Uncertain Significance. Advanced modeling of protein sequence and biophysical properties (such as structural, functional, and spatial information, amino acid conservation, physicochemical variation, residue mobility, and thermodynamic stability) performed at Invitae indicates that this missense variant is not expected to disrupt ADAR protein function. ClinVar contains an entry for this variant (Variation ID: 2077590). This variant has not been reported in the literature in individuals affected with ADAR-related conditions.

NM_001111.5(ADAR):c.2213A>G (p.His738Arg)

Gene: ADAR (adenosine deaminase RNA specific; minus strand). Cytogenetic location: 1q21.3.
Variant type: single nucleotide variant.
Coding change: c.2213A>G on transcript NM_001111.5 (MANE Select); coding-DNA position 2213, A replaced by G.
Protein change: p.His738Arg; replaces histidine 738 with arginine.
Molecular consequence: missense variant.
Genome position (GRCh38, 1-based): chr1:154,596,862, T>C on the plus strand (A>G on the coding strand, the complement: ADAR is on the minus strand). VCF-style: chr1-154596862-T-C. GRCh37 (hg19) VCF-style: chr1-154569338-T-C.
Other names: c.1328A>G, p.His443Arg (NM_001025107.3, NM_001193495.2, NM_001365046.1 and 3 more transcripts); c.2240A>G, p.His747Arg (NM_001365045.1); c.2213A>G, p.His738Arg (NM_015840.4); c.2156A>G, p.His719Arg (NM_015841.4); c.2213A>G (NM_001111.4); short protein forms H719R, H738R, H443R, H747R.
Identifiers: ClinVar variation 2077590 (VCV002077590.5), dbSNP rs2526588689, ClinGen allele CA342637767.